The following is an entry in ClinVar:

NM_004698.4(PRPF3):c.826C>T (p.His276Tyr)

Gene: PRPF3 (pre-mRNA processing factor 3; plus strand). Cytogenetic location: 1q21.2.
Variant type: single nucleotide variant.
Coding change: c.826C>T on transcript NM_004698.4 (MANE Select); coding-DNA position 826, C replaced by T.
Protein change: p.His276Tyr; replaces histidine 276 with tyrosine.
Molecular consequence: missense variant. On other transcripts: non-coding transcript variant (4).
Genome position (GRCh38, 1-based): chr1:150,335,032, C>T. VCF-style: chr1-150335032-C-T. GRCh37 (hg19) VCF-style: chr1-150307503-C-T.
Other names: c.421C>T, p.His141Tyr (NM_001350529.1); short protein forms H141Y, H276Y.
Identifiers: ClinVar variation 3700355 (VCV003700355.2).

ClinVar aggregate classification (germline): Uncertain significance (1 of 4 stars; one submission).

gnomAD v4.1: 3 of 1,614,106 alleles (0.00019%); highest among the groups gnomAD compares: Non-Finnish European, 0.00025%; no homozygotes.

Submission:

Labcorp Genetics (formerly Invitae), Labcorp
Classification: Uncertain significance. Last evaluated: 2024-07-13. Review status: criteria provided, single submitter. Criteria: Invitae Variant Classification Sherloc (09022015). Collection method: clinical testing. Allele origin: germline.
Comment: This sequence change replaces histidine, which is basic and polar, with tyrosine, which is neutral and polar, at codon 276 of the PRPF3 protein (p.His276Tyr). This variant is present in population databases (rs782455177, gnomAD 0.0009%). This variant has not been reported in the literature in individuals affected with PRPF3-related conditions. Advanced modeling of protein sequence and biophysical properties (such as structural, functional, and spatial information, amino acid conservation, physicochemical variation, residue mobility, and thermodynamic stability) performed at Invitae indicates that this missense variant is not expected to disrupt PRPF3 protein function with a negative predictive value of 80%. In summary, the available evidence is currently insufficient to determine the role of this variant in disease. Therefore, it has been classified as a Variant of Uncertain Significance.